The following is an entry in ClinVar:

ClinVar aggregate classification (germline): Uncertain significance (1 of 4 stars; one submission).

gnomAD v4.1: 1 of 1,614,252 alleles (0.000062%); highest among the groups gnomAD compares: East Asian, 0.0022%; no homozygotes.

Submission:

Women's Health and Genetics/Laboratory Corporation of America, LabCorp
Classification: Uncertain significance. Last evaluated: 2025-07-22. Review status: criteria provided, single submitter. Criteria: LabCorp Variant Classification Summary - May 2015. Collection method: clinical testing. Allele origin: germline.
Comment: Variant summary: NPHS1 c.1881C>G (p.Ser627Arg) results in a non-conservative amino acid change in the encoded protein sequence. Algorithms developed to predict the effect of missense changes on protein structure and function all suggest that this variant is likely to be disruptive. The variant was absent in 251018 control chromosomes. The available data on variant occurrences in the general population are insufficient to allow any conclusion about variant significance. To our knowledge, no occurrence of c.1881C>G in individuals affected with Nephrotic Syndrome, Type 1 and no experimental evidence demonstrating its impact on protein function have been reported. No submitters have cited clinical-significance assessments for this variant to ClinVar. Based on the evidence outlined above, the variant was classified as uncertain significance.

NM_004646.4(NPHS1):c.1881C>G (p.Ser627Arg)

Gene: NPHS1 (NPHS1 adhesion molecule, nephrin; minus strand). Cytogenetic location: 19q13.12.
Variant type: single nucleotide variant.
Coding change: c.1881C>G on transcript NM_004646.4 (MANE Select); coding-DNA position 1881, C replaced by G.
Protein change: p.Ser627Arg; replaces serine 627 with arginine.
Molecular consequence: missense variant.
Genome position (GRCh38, 1-based): chr19:35,845,417, G>C on the plus strand (C>G on the coding strand, the complement: NPHS1 is on the minus strand). VCF-style: chr19-35845417-G-C. GRCh37 (hg19) VCF-style: chr19-36336319-G-C.
Other names: short protein forms S627R.
Identifiers: ClinVar variation 4526279 (VCV004526279.1).